The following is an entry in ClinVar:

NM_000070.3(CAPN3):c.931G>T (p.Glu311Ter)

Gene: CAPN3 (calpain 3; plus strand). Cytogenetic location: 15q15.1.
Variant type: single nucleotide variant.
Coding change: c.931G>T on transcript NM_000070.3 (MANE Select); coding-DNA position 931, G replaced by T.
Protein change: p.Glu311Ter; replaces glutamic acid 311 with a stop codon.
Molecular consequence: nonsense. On other transcripts: intron variant (1).
Genome position (GRCh38, 1-based): chr15:42,390,082, G>T. VCF-style: chr15-42390082-G-T. GRCh37 (hg19) VCF-style: chr15-42682280-G-T.
Other names: c.931G>T, p.Glu311Ter (NM_024344.2); c.801+986G>T (NM_173087.2); short protein forms E311*.
Identifiers: ClinVar variation 3682207 (VCV003682207.2).

ClinVar aggregate classification (germline): Pathogenic (1 of 4 stars; one submission).

Conditions:
Autosomal recessive limb-girdle muscular dystrophy type 2A (LGMDR1). Also called: Muscular dystrophy, limb-girdle, type 2A, Amish; LEYDEN-MOEBIUS MUSCULAR DYSTROPHY; MUSCULAR DYSTROPHY, PELVOFEMORAL; Limb-girdle muscular dystrophy, type 2A; Calpainopathy. Identifiers: Orphanet 267, MedGen C1869123, MONDO:0009675, OMIM 253600. Disease mechanism: loss of function.

Submission:

Labcorp Genetics (formerly Invitae), Labcorp
Classification: Pathogenic for Autosomal recessive limb-girdle muscular dystrophy type 2A. Last evaluated: 2024-04-10. Review status: criteria provided, single submitter. Criteria: Invitae Variant Classification Sherloc (09022015). Collection method: clinical testing. Allele origin: germline.
Comment: This sequence change creates a premature translational stop signal (p.Glu311*) in the CAPN3 gene. It is expected to result in an absent or disrupted protein product. Loss-of-function variants in CAPN3 are known to be pathogenic (PMID: 10330340, 15689361). This variant is not present in population databases (gnomAD no frequency). This variant has not been reported in the literature in individuals affected with CAPN3-related conditions. Algorithms developed to predict the effect of sequence changes on RNA splicing suggest that this variant may disrupt the consensus splice site. For these reasons, this variant has been classified as Pathogenic.

Literature cited by the submitters: PubMed 10330340; PubMed 15689361.